The following is an entry in ClinVar:

ClinVar aggregate classification (germline): Uncertain significance (1 of 4 stars; one submission).

Conditions:
Facioscapulohumeral muscular dystrophy 2 (FSHD2). Also called: MUSCULAR DYSTROPHY, FACIOSCAPULOHUMERAL, TYPE 1B; FACIOSCAPULOHUMERAL MUSCULAR DYSTROPHY 2, DIGENIC; FSHD2, DIGENIC. Identifiers: Orphanet 269, MedGen C1834671, MONDO:0008031, OMIM 158901.

Submission:

Labcorp Genetics (formerly Invitae), Labcorp
Classification: Uncertain significance for Facioscapulohumeral muscular dystrophy 2. Last evaluated: 2023-07-19. Review status: criteria provided, single submitter. Criteria: Invitae Variant Classification Sherloc (09022015). Collection method: clinical testing. Allele origin: germline.
Comment: This sequence change replaces proline, which is neutral and non-polar, with alanine, which is neutral and non-polar, at codon 221 of the SMCHD1 protein (p.Pro221Ala). This variant is not present in population databases (gnomAD no frequency). This variant has not been reported in the literature in individuals affected with SMCHD1-related conditions. Advanced modeling of protein sequence and biophysical properties (such as structural, functional, and spatial information, amino acid conservation, physicochemical variation, residue mobility, and thermodynamic stability) performed at Invitae indicates that this missense variant is not expected to disrupt SMCHD1 protein function. In summary, the available evidence is currently insufficient to determine the role of this variant in disease. Therefore, it has been classified as a Variant of Uncertain Significance.

NM_015295.3(SMCHD1):c.661C>G (p.Pro221Ala)

Gene: SMCHD1 (structural maintenance of chromosomes flexible hinge domain containing 1; plus strand). Cytogenetic location: 18p11.32.
Variant type: single nucleotide variant.
Coding change: c.661C>G on transcript NM_015295.3 (MANE Select); coding-DNA position 661, C replaced by G.
Protein change: p.Pro221Ala; replaces proline 221 with alanine.
Molecular consequence: missense variant.
Genome position (GRCh38, 1-based): chr18:2,688,416, C>G. VCF-style: chr18-2688416-C-G. GRCh37 (hg19) VCF-style: chr18-2688414-C-G.
Other names: short protein forms P221A.
Identifiers: ClinVar variation 2824504 (VCV002824504.3), dbSNP rs2510000640, ClinGen allele CA401692939.